The following is an entry in ClinVar:

ClinVar aggregate classification (germline): Uncertain significance (1 of 4 stars; one submission).

gnomAD v4.1: 1 of 1,613,692 alleles (0.000062%); highest among the groups gnomAD compares: Non-Finnish European, 0.000085%; no homozygotes.

Submission:

GeneDx
Classification: Uncertain significance. Last evaluated: 2026-04-06. Review status: criteria provided, single submitter. Criteria: GeneDx Variant Classification Process June 2021. Collection method: clinical testing. Allele origin: germline.
Comment: Not observed at significant frequency in large population cohorts (gnomAD); In silico analysis supports that this missense variant has a deleterious effect on protein structure/function; Has not been previously published as pathogenic or benign to our knowledge

NM_020180.4(CELF4):c.213G>T (p.Lys71Asn)

Gene: CELF4 (CUGBP Elav-like family member 4; minus strand). Cytogenetic location: 18q12.2.
Variant type: single nucleotide variant.
Coding change: c.213G>T on transcript NM_020180.4 (MANE Select); coding-DNA position 213, G replaced by T.
Protein change: p.Lys71Asn; replaces lysine 71 with asparagine.
Molecular consequence: missense variant. On other transcripts: non-coding transcript variant (11).
Genome position (GRCh38, 1-based): chr18:37,565,429, C>A on the plus strand (G>T on the coding strand, the complement: CELF4 is on the minus strand). VCF-style: chr18-37565429-C-A. GRCh37 (hg19) VCF-style: chr18-35145392-C-A.
Other names: c.213G>T, p.Lys71Asn (NM_001025087.2, NM_001025088.2, NM_001025089.2 and 61 more transcripts); short protein forms K71N.
Identifiers: ClinVar variation 5018124 (VCV005018124.1).